The following is an entry in ClinVar:

NM_033518.4(SLC38A5):c.1352T>C (p.Met451Thr)

Gene: SLC38A5 (solute carrier family 38 member 5; minus strand). Cytogenetic location: Xp11.23.
Variant type: single nucleotide variant.
Coding change: c.1352T>C on transcript NM_033518.4 (MANE Select); coding-DNA position 1352, T replaced by C.
Protein change: p.Met451Thr; replaces methionine 451 with threonine.
Molecular consequence: missense variant.
Genome position (GRCh38, 1-based): chrX:48,459,000, A>G on the plus strand (T>C on the coding strand, the complement: SLC38A5 is on the minus strand). VCF-style: chrX-48459000-A-G. GRCh37 (hg19) VCF-style: chrX-48317386-A-G.
Other names: short protein forms M451T.
Identifiers: ClinVar variation 403457 (VCV000403457.5), dbSNP rs17281188, ClinGen allele CA10402167.

ClinVar aggregate classification (germline): Benign. Review status: criteria provided, multiple submitters, no conflicts (2 of 4 stars). 2 submissions from 2 submitters: Benign (2). Last evaluated 2016-03-29.

Allele frequency attached by ClinVar (database versions not stated): ESP Exome Variant Server 0.05915; gnomAD 0.07373 and 0.07504; gnomAD exomes 0.07668 and 0.08459; TOPMed 0.08267; 1000 Genomes Project 0.08503; 1000 Genomes Project 30x 0.08803; ExAC 0.12908.
gnomAD v4.1: 91,752 of 1,194,220 alleles (7.7%); highest among the groups gnomAD compares: Admixed American, 14%; 2,564 homozygotes.

Submissions (2):

Laboratory for Molecular Medicine, Mass General Brigham Personalized Medicine
Classification: Benign. Last evaluated: 2016-03-29. Review status: criteria provided, single submitter. Criteria: LMM Criteria. Collection method: clinical testing. Allele origin: germline.
Comment: Variant identified in a genome or exome case(s) and assessed due to predicted null impact of the variant or pathogenic assertions in the literature or databases. Disclaimer: This variant has not undergone full assessment. The following are preliminary notes: MAF

Breakthrough Genomics
Classification: Benign. Review status: criteria provided, single submitter. Criteria: ACMG Guidelines, 2015. Collection method: not provided. Allele origin: germline. Inheritance: Unknown mechanism. Affected: yes.